The following is an entry in ClinVar:

NM_022436.3(ABCG5):c.353G>C (p.Arg118Pro)

Gene: ABCG5 (ATP binding cassette subfamily G member 5; minus strand). Cytogenetic location: 2p21.
Variant type: single nucleotide variant.
Coding change: c.353G>C on transcript NM_022436.3 (MANE Select); coding-DNA position 353, G replaced by C.
Protein change: p.Arg118Pro; replaces arginine 118 with proline.
Molecular consequence: missense variant.
Genome position (GRCh38, 1-based): chr2:43,831,996, C>G on the plus strand (G>C on the coding strand, the complement: ABCG5 is on the minus strand). VCF-style: chr2-43831996-C-G. GRCh37 (hg19) VCF-style: chr2-44059135-C-G.
Other names: short protein forms R118P.
Identifiers: ClinVar variation 3227761 (VCV003227761.2), dbSNP rs1313946083, ClinGen allele CA346668028.
Genomic context (GRCh38, chr2:43,831,996, plus strand): 5'-GACGCGCCCACCTGCAGGACGTAGGAGAAGCAGTCCTGGAACTGCTCCCGGCGCAGCGCC[C>G]GGCCGTTCACATACACCTCCCCCAGGAAGGTCCCCGCGCGCCCCAGCCTCCCGGACATGG-3'
Protein context (NP_071881.1, residues 108-128): TFLGEVYVNG[Arg118Pro]ALRREQFQDC

ClinVar aggregate classification (germline): Uncertain significance. Review status: criteria provided, multiple submitters, no conflicts (2 of 4 stars). 2 submissions from 2 submitters: Uncertain significance (2). Last evaluated 2025-09-14.

Conditions:
Cardiovascular phenotype. Identifiers: MedGen CN230736.

Allele frequency attached by ClinVar (database versions not stated): TOPMed 0.00002.

Submissions (2):

Women's Health and Genetics/Laboratory Corporation of America, LabCorp
Classification: Uncertain significance. Last evaluated: 2025-09-14. Review status: criteria provided, single submitter. Criteria: LabCorp Variant Classification Summary - May 2015. Collection method: clinical testing. Allele origin: germline.

Ambry Genetics
Classification: Uncertain significance for Cardiovascular phenotype. Last evaluated: 2023-09-22. Review status: criteria provided, single submitter. Criteria: Ambry Variant Classification Scheme 2023. Collection method: clinical testing. Allele origin: germline.
Comment: The p.R118P variant (also known as c.353G>C), located in coding exon 3 of the ABCG5 gene, results from a G to C substitution at nucleotide position 353. The arginine at codon 118 is replaced by proline, an amino acid with dissimilar properties. This amino acid position is conserved. In addition, this alteration is predicted to be tolerated by in silico analysis. Since supporting evidence is limited at this time, the clinical significance of this alteration remains unclear.